The following is an entry in ClinVar:

NM_000179.3(MSH6):c.244C>A (p.Pro82Thr)

Gene: MSH6 (mutS homolog 6; plus strand). Cytogenetic location: 2p16.3.
Variant type: single nucleotide variant.
Coding change: c.244C>A on transcript NM_000179.3 (MANE Select); coding-DNA position 244, C replaced by A.
Protein change: p.Pro82Thr; replaces proline 82 with threonine.
Molecular consequence: missense variant. On other transcripts: 5 prime UTR variant (1), intron variant (1).
Genome position (GRCh38, 1-based): chr2:47,783,477, C>A. VCF-style: chr2-47783477-C-A. GRCh37 (hg19) VCF-style: chr2-48010616-C-A.
Other names: c.-493C>A (NM_001281493.2); c.237+7C>A (NM_001281492.2); short protein forms P82T.
Identifiers: ClinVar variation 1171569 (VCV001171569.12), dbSNP rs2103944233, ClinGen allele CA346735121.

ClinVar aggregate classification (germline): Uncertain significance. Review status: criteria provided, multiple submitters, no conflicts (2 of 4 stars). 4 submissions from 4 submitters: Uncertain significance (4). Last evaluated 2025-02-07.

Conditions:
Lynch syndrome. Identifiers: Orphanet 144, MedGen C4552100, MONDO:0005835. Disease mechanism: loss of function.
Hereditary cancer-predisposing syndrome. Also called: Tumor predisposition; Hereditary neoplastic syndrome; Hereditary Cancer Syndrome; Neoplastic Syndromes, Hereditary. Identifiers: Orphanet 140162, MedGen C0027672, MeSH D009386, MONDO:0015356.
Hereditary nonpolyposis colorectal neoplasms. Identifiers: MedGen C0009405, MeSH D003123.

gnomAD v4.1: 1 of 1,435,576 alleles (0.00007%); no homozygotes.

Submissions (4):

Labcorp Genetics (formerly Invitae), Labcorp
Classification: Uncertain significance for Hereditary nonpolyposis colorectal neoplasms. Last evaluated: 2025-02-07. Review status: criteria provided, single submitter. Criteria: Invitae Variant Classification Sherloc (09022015). Collection method: clinical testing. Allele origin: germline.
Comment: This sequence change replaces proline, which is neutral and non-polar, with threonine, which is neutral and polar, at codon 82 of the MSH6 protein (p.Pro82Thr). This variant is not present in population databases (gnomAD no frequency). This variant has not been reported in the literature in individuals affected with MSH6-related conditions. ClinVar contains an entry for this variant (Variation ID: 1171569). Invitae Evidence Modeling of protein sequence and biophysical properties (such as structural, functional, and spatial information, amino acid conservation, physicochemical variation, residue mobility, and thermodynamic stability) indicates that this missense variant is not expected to disrupt MSH6 protein function with a negative predictive value of 95%. In summary, the available evidence is currently insufficient to determine the role of this variant in disease. Therefore, it has been classified as a Variant of Uncertain Significance.

Color Diagnostics, LLC DBA Color Health
Classification: Uncertain significance for Hereditary cancer-predisposing syndrome. Last evaluated: 2024-03-07. Review status: criteria provided, single submitter. Criteria: ACMG Guidelines, 2015. Collection method: clinical testing. Allele origin: germline.
Comment: This missense variant replaces proline with threonine at codon 82 of the MSH6 protein. Computational prediction suggests that this variant may not impact protein structure and function (internally defined REVEL score threshold <= 0.5, PMID: 27666373). To our knowledge, functional studies have not been reported for this variant. This variant has not been reported in individuals affected with MSH6-related disorders in the literature. This variant has not been identified in the general population by the Genome Aggregation Database (gnomAD). The available evidence is insufficient to determine the role of this variant in disease conclusively. Therefore, this variant is classified as a Variant of Uncertain Significance.

All of Us Research Program, National Institutes of Health
Classification: Uncertain significance for Lynch syndrome. Last evaluated: 2023-10-06. Review status: criteria provided, single submitter. Criteria: ACMG Guidelines, 2015. Collection method: clinical testing. Allele origin: germline. Inheritance: Autosomal dominant inheritance. Observed: 1 variant allele, 1 heterozygote.
Comment: This missense variant replaces proline with threonine at codon 82 of the MSH6 protein. Computational prediction suggests that this variant may not impact protein structure and function (internally defined REVEL score threshold <= 0.5, PMID: 27666373). To our knowledge, functional studies have not been reported for this variant. This variant has not been reported in individuals affected with MSH6-related disorders in the literature. This variant has not been identified in the general population by the Genome Aggregation Database (gnomAD). The available evidence is insufficient to determine the role of this variant in disease conclusively. Therefore, this variant is classified as a Variant of Uncertain Significance.

This study involves interpretation of variants in research participants for the purpose of population health screening. Participant phenotype was not available at the time of variant classification. Additional details can be found in publication PMID: 35346344, PMCID: PMC8962531

Ambry Genetics
Classification: Uncertain significance for Hereditary cancer-predisposing syndrome. Last evaluated: 2019-12-19. Review status: criteria provided, single submitter. Criteria: Ambry Variant Classification Scheme 2023. Collection method: clinical testing. Allele origin: germline.
Comment: The p.P82T variant (also known as c.244C>A), located in coding exon 1 of the MSH6 gene, results from a C to A substitution at nucleotide position 244. The proline at codon 82 is replaced by threonine, an amino acid with highly similar properties. This amino acid position is well conserved in available vertebrate species. In addition, this alteration is predicted to be tolerated by in silico analysis. Since supporting evidence is limited at this time, the clinical significance of this alteration remains unclear.